The following is an entry in ClinVar:

ClinVar aggregate classification (germline): Uncertain significance. Review status: criteria provided, multiple submitters, no conflicts (2 of 4 stars). 2 submissions from 2 submitters: Uncertain significance (2). Last evaluated 2025-07-09.

Allele frequency attached by ClinVar (database versions not stated): ExAC 0.00002.
gnomAD v4.1: 3 of 1,613,598 alleles (0.00019%); highest among the groups gnomAD compares: Admixed American, 0.005%; no homozygotes.

Submissions (2):

Labcorp Genetics (formerly Invitae), Labcorp
Classification: Uncertain significance. Last evaluated: 2025-07-09. Review status: criteria provided, single submitter. Criteria: Invitae Variant Classification Sherloc (09022015). Collection method: clinical testing. Allele origin: germline.
Comment: This sequence change replaces serine, which is neutral and polar, with cysteine, which is neutral and slightly polar, at codon 398 of the NAA35 protein (p.Ser398Cys). This variant is present in population databases (rs777775451, gnomAD 0.009%). This variant has not been reported in the literature in individuals affected with NAA35-related conditions. ClinVar contains an entry for this variant (Variation ID: 2007629). An algorithm developed to predict the effect of missense changes on protein structure and function (PolyPhen-2) suggests that this variant is likely to be tolerated. In summary, the available evidence is currently insufficient to determine the role of this variant in disease. Therefore, it has been classified as a Variant of Uncertain Significance.

Ambry Genetics
Classification: Uncertain significance. Last evaluated: 2024-01-04. Review status: criteria provided, single submitter. Criteria: Ambry Variant Classification Scheme 2023. Collection method: clinical testing. Allele origin: germline.

NM_024635.4(NAA35):c.1193C>G (p.Ser398Cys)

Gene: NAA35 (N-alpha-acetyltransferase 35, NatC auxiliary subunit; plus strand). Cytogenetic location: 9q21.33.
Variant type: single nucleotide variant.
Coding change: c.1193C>G on transcript NM_024635.4 (MANE Select); coding-DNA position 1193, C replaced by G.
Protein change: p.Ser398Cys; replaces serine 398 with cysteine.
Molecular consequence: missense variant.
Genome position (GRCh38, 1-based): chr9:86,007,434, C>G. VCF-style: chr9-86007434-C-G. GRCh37 (hg19) VCF-style: chr9-88622349-C-G.
Other names: c.1193C>G (NM_024635.3); c.1193C>G, p.Ser398Cys (NM_001321881.2, NM_001321882.2); short protein forms S398C.
Identifiers: ClinVar variation 2007629 (VCV002007629.5), dbSNP rs777775451, ClinGen allele CA5107371.